The following is an entry in ClinVar:

NM_001098671.2(RASGRP2):c.195G>A (p.Lys65=)

Gene: RASGRP2 (RAS guanyl releasing protein 2; minus strand). Cytogenetic location: 11q13.1.
Variant type: single nucleotide variant.
Coding change: c.195G>A on transcript NM_001098671.2 (MANE Select); coding-DNA position 195, G replaced by A.
Protein change: p.Lys65=; no amino-acid change (lysine 65 retained).
Molecular consequence: synonymous variant. On other transcripts: 5 prime UTR variant (1).
Genome position (GRCh38, 1-based): chr11:64,741,483, C>T on the plus strand (G>A on the coding strand, the complement: RASGRP2 is on the minus strand). VCF-style: chr11-64741483-C-T. GRCh37 (hg19) VCF-style: chr11-64508955-C-T.
Other names: p.Lys65=; c.195G>A, p.Lys65= (NM_001098670.2, NM_153819.2); c.-241G>A (NM_001318398.2).
Identifiers: ClinVar variation 2691520 (VCV002691520.6), dbSNP rs149463282, ClinGen allele CA6079342.
Genomic context (GRCh38, chr11:64,741,483, plus strand): 5'-CAGGGGAAAGACTCACCTGACCAGGTGGCACGTTTTCACCTGCAGGGAATTGGAGTTGTC[C>T]TTCCGGGATTGTTGGTAGGTGAAGGAGAGGGTTAAGGAGGCCGCTTAACTCTAGAAAGGG-3'
Protein context (NP_001092141.1, residues 55-75): KLLHIYQQSR[Lys65=]DNSNSLQVKT

ClinVar aggregate classification (germline): Likely benign. Review status: criteria provided, multiple submitters, no conflicts (2 of 4 stars). 4 submissions from 4 submitters: Likely benign (4). Last evaluated 2025-10-13.

Allele frequency attached by ClinVar (database versions not stated): TOPMed 0.00009; gnomAD 0.00013; gnomAD exomes 0.00021; ExAC 0.00023; ESP Exome Variant Server 0.00023; 1000 Genomes Project 30x 0.00031; 1000 Genomes Project 0.00040.
gnomAD v4.1: 309 of 1,581,090 alleles (0.02%); highest among the groups gnomAD compares: Non-Finnish European, 0.023%; no homozygotes.

Submissions (4):

Mayo Clinic Laboratories, Mayo Clinic
Classification: Likely benign. Last evaluated: 2025-10-13. Review status: criteria provided, single submitter. Criteria: ACMG Guidelines, 2015. Collection method: clinical testing. Allele origin: germline. Observed: 1 variant allele.
Comment: BP4, BP7

Labcorp Genetics (formerly Invitae), Labcorp
Classification: Likely benign. Last evaluated: 2025-09-08. Review status: criteria provided, single submitter. Criteria: Invitae Variant Classification Sherloc (09022015). Collection method: clinical testing. Allele origin: germline.

Blueprint Genetics
Classification: Likely benign. Last evaluated: 2024-10-21. Review status: criteria provided, single submitter. Criteria: ACMG Guidelines, 2015. Collection method: clinical testing. Allele origin: germline.

Women's Health and Genetics/Laboratory Corporation of America, LabCorp
Classification: Likely benign. Last evaluated: 2023-12-07. Review status: criteria provided, single submitter. Criteria: LabCorp Variant Classification Summary - May 2015. Collection method: clinical testing. Allele origin: germline.